The following is an entry in ClinVar:

NM_013275.6(ANKRD11):c.6014C>T (p.Pro2005Leu)

Gene: ANKRD11 (ankyrin repeat domain containing 11; minus strand). Cytogenetic location: 16q24.3.
Variant type: single nucleotide variant.
Coding change: c.6014C>T on transcript NM_013275.6 (MANE Select); coding-DNA position 6014, C replaced by T.
Protein change: p.Pro2005Leu; replaces proline 2005 with leucine.
Molecular consequence: missense variant.
Genome position (GRCh38, 1-based): chr16:89,280,528, G>A on the plus strand (C>T on the coding strand, the complement: ANKRD11 is on the minus strand). VCF-style: chr16-89280528-G-A. GRCh37 (hg19) VCF-style: chr16-89346936-G-A.
Other names: c.6014C>T, p.Pro2005Leu (NM_001256182.2, NM_001256183.2); short protein forms P2005L.
Identifiers: ClinVar variation 2663375 (VCV002663375.1), dbSNP rs2544224941, ClinGen allele CA397152232.

ClinVar aggregate classification (germline): Uncertain significance (1 of 4 stars; one submission).

Allele frequency attached by ClinVar (database versions not stated): gnomAD exomes below 0.00001.
gnomAD v4.1: 1 of 1,612,046 alleles (0.000062%); highest among the groups gnomAD compares: South Asian, 0.0011%; no homozygotes.

Submission:

GeneDx
Classification: Uncertain significance. Last evaluated: 2023-05-01. Review status: criteria provided, single submitter. Criteria: GeneDx Variant Classification Process June 2021. Collection method: clinical testing. Allele origin: germline. Affected: yes.
Comment: Not observed at significant frequency in large population cohorts (gnomAD); In silico analysis supports that this missense variant does not alter protein structure/function; Has not been previously published as pathogenic or benign to our knowledge